The following is an entry in ClinVar:

NM_000264.5(PTCH1):c.3168+1G>T

Gene: PTCH1 (patched 1; minus strand). Cytogenetic location: 9q22.32.
Variant type: single nucleotide variant.
Coding change: c.3168+1G>T on transcript NM_000264.5 (MANE Select); the canonical splice donor site of the intron after coding-DNA position 3168, G replaced by T.
Molecular consequence: splice donor variant.
Genome position (GRCh38, 1-based): chr9:95,458,012, C>A on the plus strand (G>T on the coding strand, the complement: PTCH1 is on the minus strand). VCF-style: chr9-95458012-C-A. GRCh37 (hg19) VCF-style: chr9-98220294-C-A.
Other names: c.3165+1G>T (NM_001083603.3); c.2970+1G>T (NM_001083602.3); c.3012+1G>T (NM_001354918.2); c.2715+1G>T (NM_001083605.3, NM_001083604.3, NM_001083606.3 and 1 more transcripts).
Identifiers: ClinVar variation 1456550 (VCV001456550.6), dbSNP rs2136659660, ClinGen allele CA374112242.
Genomic context (GRCh38, chr9:95,458,012, plus strand): 5'-TGCAGAAAGAGCTATGCTGAAAGGAATTTGACTTCCACAAAGCCCCTTATAATACACTCA[C>A]AATGATCCCGGCCGTCCAGGGGTTCAGAAGGAAGACAGCGCACACGAGGAATGTGCAGGC-3'

ClinVar aggregate classification (germline): Pathogenic (1 of 4 stars; one submission).

Conditions:
Gorlin syndrome. Also called: Nevoid Basal Cell Carcinoma Syndrome; Basal cell nevus syndrome. Identifiers: Orphanet 377, MedGen C0004779, MONDO:0007187.

Submission:

Labcorp Genetics (formerly Invitae), Labcorp
Classification: Pathogenic for Gorlin syndrome. Last evaluated: 2023-10-26. Review status: criteria provided, single submitter. Criteria: Invitae Variant Classification Sherloc (09022015). Collection method: clinical testing. Allele origin: germline.
Comment: This sequence change affects a donor splice site in intron 18 of the PTCH1 gene. It is expected to disrupt RNA splicing. Variants that disrupt the donor or acceptor splice site typically lead to a loss of protein function (PMID: 16199547), and loss-of-function variants in PTCH1 are known to be pathogenic (PMID: 16301862, 16419085). This variant is not present in population databases (gnomAD no frequency). Disruption of this splice site has been observed in individuals with basal cell nevus syndrome (Invitae). ClinVar contains an entry for this variant (Variation ID: 1456550). Algorithms developed to predict the effect of sequence changes on RNA splicing suggest that this variant may disrupt the consensus splice site. For these reasons, this variant has been classified as Pathogenic.

Literature cited by the submitters: PubMed 16199547; PubMed 16301862; PubMed 16419085.